The following is an entry in ClinVar:

ClinVar aggregate classification (germline): Uncertain significance. Review status: criteria provided, multiple submitters, no conflicts (2 of 4 stars). 3 submissions from 3 submitters: Uncertain significance (3). Last evaluated 2024-01-19.

Conditions:
Focal segmental glomerulosclerosis 5 (FSGS5). Identifiers: Orphanet 656, MedGen C2750475, MONDO:0013191, OMIM 613237.
Charcot-Marie-Tooth disease dominant intermediate E. Also called: CHARCOT-MARIE-TOOTH NEUROPATHY WITH FOCAL SEGMENTAL GLOMERULONEPHRITIS. Identifiers: Orphanet 93114, MedGen C4302667, MONDO:0013758, OMIM 614455.

Allele frequency attached by ClinVar (database versions not stated): TOPMed 0.00001.
gnomAD v4.1: 7 of 1,612,044 alleles (0.00043%); highest among the groups gnomAD compares: Admixed American, 0.0017%; no homozygotes.

Submissions (3):

Women's Health and Genetics/Laboratory Corporation of America, LabCorp
Classification: Uncertain significance. Last evaluated: 2024-01-19. Review status: criteria provided, single submitter. Criteria: LabCorp Variant Classification Summary - May 2015. Collection method: clinical testing. Allele origin: germline.
Comment: Variant summary: INF2 c.2489G>C (p.Gly830Ala) results in a non-conservative amino acid change located in the Formin, FH2 domain (IPR015425) of the encoded protein sequence. Three of five in-silico tools predict a damaging effect of the variant on protein function. The variant allele was found at a frequency of 8.1e-06 in 245590 control chromosomes. The available data on variant occurrences in the general population are insufficient to allow any conclusion about variant significance. To our knowledge, no occurrence of c.2489G>C in individuals affected with Charcot-Marie Disease, Dominant Intermediate E and no experimental evidence demonstrating its impact on protein function have been reported. ClinVar contains an entry for this variant (Variation ID: 643380). Based on the evidence outlined above, the variant was classified as uncertain significance.

Fulgent Genetics
Classification: Uncertain significance for Focal segmental glomerulosclerosis 5; Charcot-Marie-Tooth disease dominant intermediate E. Last evaluated: 2024-01-16. Review status: criteria provided, single submitter. Criteria: ACMG Guidelines, 2015. Collection method: clinical testing. Allele origin: germline.

Labcorp Genetics (formerly Invitae), Labcorp
Classification: Uncertain significance for Charcot-Marie-Tooth disease dominant intermediate E; Focal segmental glomerulosclerosis 5. Last evaluated: 2019-07-30. Review status: criteria provided, single submitter. Criteria: Invitae Variant Classification Sherloc (09022015). Collection method: clinical testing. Allele origin: germline.
Comment: In summary, the available evidence is currently insufficient to determine the role of this variant in disease. Therefore, it has been classified as a Variant of Uncertain Significance. Nucleotide substitutions within the consensus splice site are a relatively common cause of aberrant splicing (PMID: 17576681, 9536098). Algorithms developed to predict the effect of sequence changes on RNA splicing suggest that this variant may disrupt the consensus splice site, but this prediction has not been confirmed by published transcriptional studies. This variant has not been reported in the literature in individuals with INF2-related conditions. This variant is present in population databases (rs377340315, ExAC 0.002%). This sequence change replaces glycine with alanine at codon 830 of the INF2 protein (p.Gly830Ala). The glycine residue is highly conserved and there is a small physicochemical difference between glycine and alanine. This variant also falls at the last nucleotide of exon 16 of the INF2 coding sequence, which is part of the consensus splice site for this exon.

Literature cited by the submitters: PubMed 17576681 (cited by Labcorp Genetics (formerly Invitae), Labcorp); PubMed 9536098 (cited by Labcorp Genetics (formerly Invitae), Labcorp).

NM_022489.4(INF2):c.2489G>C (p.Gly830Ala)

Gene: INF2 (inverted formin 2; plus strand). Cytogenetic location: 14q32.33.
Variant type: single nucleotide variant.
Coding change: c.2489G>C on transcript NM_022489.4 (MANE Select); coding-DNA position 2489, G replaced by C.
Protein change: p.Gly830Ala; replaces glycine 830 with alanine.
Molecular consequence: missense variant.
Genome position (GRCh38, 1-based): chr14:104,711,699, G>C. VCF-style: chr14-104711699-G-C. GRCh37 (hg19) VCF-style: chr14-105178036-G-C.
Other names: c.2489G>C, p.Gly830Ala (NM_001031714.4); short protein forms G830A.
Identifiers: ClinVar variation 643380 (VCV000643380.12), dbSNP rs377340315, ClinGen allele CA7372945.